The following is an entry in ClinVar:

NM_002293.4(LAMC1):c.3018C>G (p.Gly1006=)

Gene: LAMC1 (laminin subunit gamma 1; plus strand). Cytogenetic location: 1q25.3.
Variant type: single nucleotide variant.
Coding change: c.3018C>G on transcript NM_002293.4 (MANE Select); coding-DNA position 3018, C replaced by G.
Protein change: p.Gly1006=; no amino-acid change (glycine 1006 retained).
Molecular consequence: synonymous variant.
Genome position (GRCh38, 1-based): chr1:183,127,299, C>G. VCF-style: chr1-183127299-C-G. GRCh37 (hg19) VCF-style: chr1-183096434-C-G.
Other names: NC_000001.10:g.183096434C>G.
Identifiers: ClinVar variation 3043872 (VCV003043872.3), dbSNP rs61749261, ClinGen allele CA1281537.
Genomic context (GRCh38, chr1:183,127,299, plus strand): 5'-TCCTGAGGGATCTCTTTCACTTCAGTGCAAAGATGATGGTCGCTGTGAATGCAGAGAAGG[C>G]TTTGTGGGAAATCGCTGTGACCAGTGTGAAGAAAACTATTTCTACAATCGGTCTTGGCCT-3'
Protein context (NP_002284.3, residues 996-1016): KDDGRCECRE[Gly1006=]FVGNRCDQCE

ClinVar aggregate classification (germline): Likely benign (0 of 4 stars; one submission).

Conditions:
LAMC1-related disorder. Also called: LAMC1-related condition.

Allele frequency attached by ClinVar (database versions not stated): ExAC 0.00269; gnomAD 0.00302; TOPMed 0.00335; 1000 Genomes Project 30x 0.00094; 1000 Genomes Project 0.00100; ESP Exome Variant Server 0.00431; gnomAD exomes 0.00476.
gnomAD v4.1: 7,380 of 1,614,208 alleles (0.46%); highest among the groups gnomAD compares: Non-Finnish European, 0.58%; 30 homozygotes.

Submissions (8):

PreventionGenetics, part of Exact Sciences
Classification: Likely benign for LAMC1-related condition. Last evaluated: 2019-09-12. Review status: no assertion criteria provided. Collection method: clinical testing. Allele origin: germline.
Comment: This variant is classified as likely benign based on ACMG/AMP sequence variant interpretation guidelines (Richards et al. 2015 PMID: 25741868, with internal and published modifications).

Dr. Peter K. Rogan Lab, Western University
No classification provided (evidence only). Condition: Cholangiocarcinoma. Review status: no classification provided. Collection method: in vitro. Allele origin: not applicable. Functional consequence: retained intron. Not counted in ClinVar's aggregate classification.

Dr. Peter K. Rogan Lab, Western University
No classification provided (evidence only). Condition: Uterine carcinosarcoma. Review status: no classification provided. Collection method: in vitro. Allele origin: not applicable. Functional consequence: retained intron. Not counted in ClinVar's aggregate classification.

Dr. Peter K. Rogan Lab, Western University
No classification provided (evidence only). Condition: Clear cell carcinoma of kidney. Review status: no classification provided. Collection method: in vitro. Allele origin: not applicable. Functional consequence: retained intron. Not counted in ClinVar's aggregate classification.

Dr. Peter K. Rogan Lab, Western University
No classification provided (evidence only). Condition: Lung cancer. Review status: no classification provided. Collection method: in vitro. Allele origin: not applicable. Functional consequence: retained intron. Not counted in ClinVar's aggregate classification.

Dr. Peter K. Rogan Lab, Western University
No classification provided (evidence only). Condition: Lung cancer. Review status: no classification provided. Collection method: in vitro. Allele origin: not applicable. Functional consequence: retained intron. Not counted in ClinVar's aggregate classification.

Dr. Peter K. Rogan Lab, Western University
No classification provided (evidence only). Condition: Melanoma. Review status: no classification provided. Collection method: in vitro. Allele origin: not applicable. Functional consequence: retained intron. Not counted in ClinVar's aggregate classification.

Dr. Peter K. Rogan Lab, Western University
No classification provided (evidence only). Condition: Sarcoma. Review status: no classification provided. Collection method: in vitro. Allele origin: not applicable. Functional consequence: retained intron. Not counted in ClinVar's aggregate classification.